The following is an entry in ClinVar:

NM_015338.6(ASXL1):c.4361T>G (p.Phe1454Cys)

Gene: ASXL1 (ASXL transcriptional regulator 1; plus strand). Cytogenetic location: 20q11.21.
Variant type: single nucleotide variant.
Coding change: c.4361T>G on transcript NM_015338.6 (MANE Select); coding-DNA position 4361, T replaced by G.
Protein change: p.Phe1454Cys; replaces phenylalanine 1454 with cysteine.
Molecular consequence: missense variant.
Genome position (GRCh38, 1-based): chr20:32,437,073, T>G. VCF-style: chr20-32437073-T-G. GRCh37 (hg19) VCF-style: chr20-31024876-T-G.
Other names: c.4178T>G, p.Phe1393Cys (NM_001363734.1); short protein forms F1454C, F1393C.
Identifiers: ClinVar variation 3792231 (VCV003792231.1).

ClinVar aggregate classification (germline): Uncertain significance (1 of 4 stars; one submission).

Conditions:
Inborn genetic diseases. Identifiers: MedGen C0950123, MeSH D030342.

gnomAD v4.1: 1 of 1,614,054 alleles (0.000062%); highest among the groups gnomAD compares: Non-Finnish European, 0.000085%; no homozygotes.

Submission:

Ambry Genetics
Classification: Uncertain significance for Inborn genetic diseases. Last evaluated: 2025-01-13. Review status: criteria provided, single submitter. Criteria: Ambry Variant Classification Scheme 2023. Collection method: clinical testing. Allele origin: germline.
Comment: The p.F1454C variant (also known as c.4361T>G), located in coding exon 13 of the ASXL1 gene, results from a T to G substitution at nucleotide position 4361. The phenylalanine at codon 1454 is replaced by cysteine, an amino acid with highly dissimilar properties. This amino acid position is conserved. In addition, the in silico prediction for this alteration is inconclusive. Based on the available evidence, the clinical significance of this variant remains unclear.